The following is an entry in ClinVar:

NM_001184.4(ATR):c.5506G>A (p.Ala1836Thr)

Gene: ATR (ATR checkpoint kinase; minus strand). Cytogenetic location: 3q23.
Variant type: single nucleotide variant.
Coding change: c.5506G>A on transcript NM_001184.4 (MANE Select); coding-DNA position 5506, G replaced by A.
Protein change: p.Ala1836Thr; replaces alanine 1836 with threonine.
Molecular consequence: missense variant.
Genome position (GRCh38, 1-based): chr3:142,498,649, C>T on the plus strand (G>A on the coding strand, the complement: ATR is on the minus strand). VCF-style: chr3-142498649-C-T. GRCh37 (hg19) VCF-style: chr3-142217491-C-T.
Other names: c.5314G>A, p.Ala1772Thr (NM_001354579.2); short protein forms A1836T, A1772T.
Identifiers: ClinVar variation 1748009 (VCV001748009.2), dbSNP rs2108340948, ClinGen allele CA354815647.

ClinVar aggregate classification (germline): Uncertain significance (1 of 4 stars; one submission).

Conditions:
Inborn genetic diseases. Identifiers: MedGen C0950123, MeSH D030342.

Submission:

Ambry Genetics
Classification: Uncertain significance for Inborn genetic diseases. Last evaluated: 2021-09-04. Review status: criteria provided, single submitter. Criteria: Ambry Variant Classification Scheme 2023. Collection method: clinical testing. Allele origin: germline.
Comment: The p.A1836T variant (also known as c.5506G>A), located in coding exon 32 of the ATR gene, results from a G to A substitution at nucleotide position 5506. The alanine at codon 1836 is replaced by threonine, an amino acid with similar properties. This amino acid position is conserved. In addition, the in silico prediction for this alteration is inconclusive. Since supporting evidence is limited at this time, the clinical significance of this alteration remains unclear.